The following is an entry in ClinVar:

NM_003745.2(SOCS1):c.108del (p.Ala37fs)

Genes: SOCS1 (suppressor of cytokine signaling 1; minus strand), LOC130058479 (ATAC-STARR-seq lymphoblastoid silent region 7198; plus strand). Cytogenetic location: 16p13.13.
Variant type: Deletion.
Coding change: c.108del on transcript NM_003745.2 (MANE Select); coding-DNA position 108, one base deleted (C; older notation c.108delC).
Protein change: p.Ala37fs; shifts the reading frame from alanine 37.
Molecular consequence: frameshift variant.
Genome position (GRCh38, 1-based): chr16:11,255,371, G deleted on the plus strand (C on the coding strand, the reverse complement: SOCS1 is on the minus strand); the first of 5 consecutive G bases (chr16:11,255,371-11,255,375); deleting any one gives the same sequence. VCF-style (leftmost placement, unchanged base first): chr16-11255370-CG-C. GRCh37 (hg19) VCF-style: chr16-11349227-CG-C.
Other names: c.108delC (NM_003745.1); c.108del (NM_003745.1); short protein forms A37fs.
Identifiers: ClinVar variation 432971 (VCV000432971.3), dbSNP rs1555512165, ClinGen allele CA645373045.

ClinVar aggregate classification (germline): Uncertain significance. Review status: criteria provided, single submitter (1 of 4 stars). 2 submissions from 2 submitters: Uncertain significance (1). 1 of the submissions does not count toward it. Last evaluated 2019-11-27.

Conditions:
Autoinflammatory syndrome with immunodeficiency. Also called: AUTOINFLAMMATORY SYNDROME, FAMILIAL, WITH OR WITHOUT IMMUNODEFICIENCY. Identifiers: MedGen C5543547, MONDO:0800130, OMIM 619375.

Submissions (2):

GeneDx
Classification: Uncertain significance. Last evaluated: 2019-11-27. Review status: criteria provided, single submitter. Criteria: GeneDx Variant Classification Process June 2021. Collection method: clinical testing. Allele origin: germline. Affected: yes.
Comment: Not observed in large population cohorts (Lek et al., 2016); Frameshift variant predicted to result in protein truncation or nonsense mediated decay in a gene for which loss-of-function is not a known mechanism of disease; Has not been previously published as pathogenic or benign to our knowledge; Variants in candidate genes are classified as variants of uncertain significance in accordance with ACMG guidelines (Richards et al., 2015); This variant is associated with the following publications: (PMID: 32853638)

OMIM
Classification: Pathogenic for AUTOINFLAMMATORY SYNDROME, FAMILIAL, WITH IMMUNODEFICIENCY. Last evaluated: 2021-06-17. Review status: no assertion criteria provided. Collection method: literature only. Allele origin: germline. Not counted in ClinVar's aggregate classification.

Literature cited by the submitters: PubMed 32853638 (cited by OMIM).